The following is an entry in ClinVar:

ClinVar aggregate classification (germline): Likely pathogenic (1 of 4 stars; one submission).

Conditions:
Dilated cardiomyopathy 1J (CMD1J). Also called: CARDIOMYOPATHY, DILATED, WITH SENSORINEURAL HEARING LOSS, AUTOSOMAL DOMINANT. Identifiers: Orphanet 217622, MedGen C1854368, MONDO:0011541, OMIM 605362.

Submission:

Labcorp Genetics (formerly Invitae), Labcorp
Classification: Likely pathogenic for Dilated cardiomyopathy 1J. Last evaluated: 2022-07-08. Review status: criteria provided, single submitter. Criteria: Invitae Variant Classification Sherloc (09022015). Collection method: clinical testing. Allele origin: germline.
Comment: This variant has not been reported in the literature in individuals affected with EYA4-related conditions. In summary, the currently available evidence indicates that the variant is pathogenic, but additional data are needed to prove that conclusively. Therefore, this variant has been classified as Likely Pathogenic. Algorithms developed to predict the effect of sequence changes on RNA splicing suggest that this variant may disrupt the consensus splice site. This variant is not present in population databases (gnomAD no frequency). This sequence change affects a donor splice site in intron 6 of the EYA4 gene. It is expected to disrupt RNA splicing. Variants that disrupt the donor or acceptor splice site typically lead to a loss of protein function (PMID: 16199547), and loss-of-function variants in EYA4 are known to be pathogenic (PMID: 11159937, 25781927, 25963406).

Literature cited by the submitters: PubMed 16199547; PubMed 11159937; PubMed 25781927; PubMed 25963406.

NM_004100.5(EYA4):c.370+1G>T

Gene: EYA4 (EYA transcriptional coactivator and phosphatase 4; plus strand). Cytogenetic location: 6q23.2.
Variant type: single nucleotide variant.
Coding change: c.370+1G>T on transcript NM_004100.5 (MANE Select); the canonical splice donor site of the intron after coding-DNA position 370, G replaced by T.
Molecular consequence: splice donor variant. On other transcripts: intron variant (2).
Genome position (GRCh38, 1-based): chr6:133,456,649, G>T. VCF-style: chr6-133456649-G-T. GRCh37 (hg19) VCF-style: chr6-133777787-G-T.
Other names: c.370+1G>T (NM_001301013.2, NM_172105.4); c.301+1G>T (NM_001370458.1, NM_172103.4); c.209-4465G>T (NM_001370459.1, NM_001301012.2).
Identifiers: ClinVar variation 2014972 (VCV002014972.4), dbSNP rs776491390, ClinGen allele CA148045965.
Genomic context (GRCh38, chr6:133,456,649, plus strand): 5'-ACAGCAGTGAAACCACAGCCACGACTGGAGATGGAGCGCTTGACACTTTTACTGGGTCAG[G>T]TAAAGCCTTTAGCTCGTGTGTCCTTACGTACACATGGGGGTGCATCCACATCCTCCTCCT-3'